The following is an entry in ClinVar:

ClinVar aggregate classification (germline): Uncertain significance (1 of 4 stars; one submission).

Conditions:
Cardiovascular phenotype. Identifiers: MedGen CN230736.

Allele frequency attached by ClinVar (database versions not stated): TOPMed below 0.00001; gnomAD 0.00001.
gnomAD v4.1: 1 of 1,613,824 alleles (0.000062%); highest among the groups gnomAD compares: African/African-American, 0.0013%; no homozygotes.

Submission:

Ambry Genetics
Classification: Uncertain significance for Cardiovascular phenotype. Last evaluated: 2022-04-03. Review status: criteria provided, single submitter. Criteria: Ambry Variant Classification Scheme 2023. Collection method: clinical testing. Allele origin: germline.
Comment: The p.P1101T variant (also known as c.3301C>A), located in coding exon 21 of the TRPM4 gene, results from a C to A substitution at nucleotide position 3301. The proline at codon 1101 is replaced by threonine, an amino acid with highly similar properties. This amino acid position is conserved. In addition, this alteration is predicted to be tolerated by in silico analysis. Since supporting evidence is limited at this time, the clinical significance of this alteration remains unclear.

NM_017636.4(TRPM4):c.3301C>A (p.Pro1101Thr)

Gene: TRPM4 (transient receptor potential cation channel subfamily M member 4; plus strand). Cytogenetic location: 19q13.33.
Variant type: single nucleotide variant.
Coding change: c.3301C>A on transcript NM_017636.4 (MANE Select); coding-DNA position 3301, C replaced by A.
Protein change: p.Pro1101Thr; replaces proline 1101 with threonine.
Molecular consequence: missense variant.
Genome position (GRCh38, 1-based): chr19:49,210,378, C>A. VCF-style: chr19-49210378-C-A. GRCh37 (hg19) VCF-style: chr19-49713635-C-A.
Other names: c.2866C>A, p.Pro956Thr (NM_001195227.2); c.2956C>A, p.Pro986Thr (NM_001321281.2); c.1693C>A, p.Pro565Thr (NM_001321282.2); c.2779C>A, p.Pro927Thr (NM_001321283.2); c.2239C>A, p.Pro747Thr (NM_001321285.2); short protein forms P565T, P927T, P956T, P1101T, P747T, P986T.
Identifiers: ClinVar variation 1729986 (VCV001729986.2), dbSNP rs868058972, ClinGen allele CA406772152.